The following is an entry in ClinVar:

NM_020822.3(KCNT1):c.240C>T (p.Phe80=)

Gene: KCNT1 (potassium sodium-activated channel subfamily T member 1; plus strand). Cytogenetic location: 9q34.3.
Variant type: single nucleotide variant.
Coding change: c.240C>T on transcript NM_020822.3 (MANE Select); coding-DNA position 240, C replaced by T.
Protein change: p.Phe80=; no amino-acid change (phenylalanine 80 retained).
Molecular consequence: synonymous variant. On other transcripts: intron variant (1).
Genome position (GRCh38, 1-based): chr9:135,714,706, C>T. VCF-style: chr9-135714706-C-T. GRCh37 (hg19) VCF-style: chr9-138606552-C-T.
Other names: c.110+12338C>T (NM_001272003.2).
Identifiers: ClinVar variation 696658 (VCV000696658.11), dbSNP rs1554763398, ClinGen allele CA467696937.

ClinVar aggregate classification (germline): Likely benign. Review status: criteria provided, multiple submitters, no conflicts (2 of 4 stars). 2 submissions from 2 submitters: Likely benign (2). Last evaluated 2026-08-01.

Conditions:
Developmental and epileptic encephalopathy, 14 (DEE14). Also called: Early infantile epileptic encephalopathy 14. Identifiers: Orphanet 293181, MedGen C3554195, MONDO:0013989, OMIM 614959.
Autosomal dominant nocturnal frontal lobe epilepsy 5. Also called: CILIARY DYSKINESIA, PRIMARY, 28, WITHOUT SITUS INVERSUS; CILIARY DYSKINESIA, PRIMARY, 28, WITH SITUS INVERSUS; Epilepsy, nocturnal frontal lobe, 5; KCNT1-Related Epilepsy. Identifiers: Orphanet 98784, MedGen C3554306, MONDO:0014002, OMIM 615005.

Allele frequency attached by ClinVar (database versions not stated): gnomAD exomes below 0.00001.

Submissions (2):

CeGaT Center for Human Genetics Tuebingen
Classification: Likely benign. Last evaluated: 2026-08-01. Review status: criteria provided, single submitter. Criteria: CeGaT Center For Human Genetics Tuebingen Variant Classification Criteria Version 2. Collection method: clinical testing. Allele origin: germline. Affected: yes. Observed: 1 variant allele.
Comment: KCNT1: BP4, BP7

Labcorp Genetics (formerly Invitae), Labcorp
Classification: Likely benign for Autosomal dominant nocturnal frontal lobe epilepsy 5; Developmental and epileptic encephalopathy, 14. Last evaluated: 2025-10-18. Review status: criteria provided, single submitter. Criteria: Invitae Variant Classification Sherloc (09022015). Collection method: clinical testing. Allele origin: germline.